The following is an entry in ClinVar:

NM_000551.4(VHL):c.442T>G (p.Phe148Val)

Genes: VHL (von Hippel-Lindau tumor suppressor; plus strand), LOC107303340 (3p25 von Hippel-Lindau tumor suppressor, E3 ubiquitin protein ligase Alu-mediated recombination region; plus strand). Cytogenetic location: 3p25.3.
Variant type: single nucleotide variant.
Coding change: c.442T>G on transcript NM_000551.4 (MANE Select); coding-DNA position 442, T replaced by G.
Protein change: p.Phe148Val; replaces phenylalanine 148 with valine.
Molecular consequence: missense variant. On other transcripts: non-coding transcript variant (1), intron variant (2).
Genome position (GRCh38, 1-based): chr3:10,146,615, T>G. VCF-style: chr3-10146615-T-G. GRCh37 (hg19) VCF-style: chr3-10188299-T-G.
Other names: c.*18-3172T>G (NM_001354723.2); c.341-3172T>G (NM_198156.3); short protein forms F148V.
Identifiers: ClinVar variation 2928016 (VCV002928016.3), dbSNP rs2125128469, ClinGen allele CA351754280.

ClinVar aggregate classification (germline): Uncertain significance (1 of 4 stars; one submission).

Conditions:
Chuvash polycythemia. Also called: POLYCYTHEMIA, VHL-DEPENDENT. Identifiers: Orphanet 238557, MedGen C1837915, MONDO:0009892, OMIM 263400.
Von Hippel-Lindau syndrome (VHLS). Also called: von Hippel–Lindau syndrome; VHL syndrome; Von Hippel-Lindau. Identifiers: Orphanet 892, MedGen C0019562, MONDO:0008667, OMIM 193300. Disease mechanism: loss of function.

Allele frequency attached by ClinVar (database versions not stated): gnomAD exomes below 0.00001.
gnomAD v4.1: 1 of 1,613,962 alleles (0.000062%); highest among the groups gnomAD compares: Non-Finnish European, 0.000085%; no homozygotes.

Submission:

Labcorp Genetics (formerly Invitae), Labcorp
Classification: Uncertain significance for Von Hippel-Lindau syndrome; Chuvash polycythemia. Last evaluated: 2023-10-04. Review status: criteria provided, single submitter. Criteria: Invitae Variant Classification Sherloc (09022015). Collection method: clinical testing. Allele origin: germline.
Comment: This sequence change replaces phenylalanine, which is neutral and non-polar, with valine, which is neutral and non-polar, at codon 148 of the VHL protein (p.Phe148Val). This variant is not present in population databases (gnomAD no frequency). This variant has not been reported in the literature in individuals affected with VHL-related conditions. Advanced modeling of protein sequence and biophysical properties (such as structural, functional, and spatial information, amino acid conservation, physicochemical variation, residue mobility, and thermodynamic stability) performed at Invitae indicates that this missense variant is expected to disrupt VHL protein function. In summary, the available evidence is currently insufficient to determine the role of this variant in disease. Therefore, it has been classified as a Variant of Uncertain Significance.